The following is an entry in ClinVar:

ClinVar aggregate classification (germline): Uncertain significance (1 of 4 stars; one submission).

gnomAD v4.1: 24 of 1,613,974 alleles (0.0015%); highest among the groups gnomAD compares: Non-Finnish European, 0.0019%; no homozygotes.

Submission:

Labcorp Genetics (formerly Invitae), Labcorp
Classification: Uncertain significance. Last evaluated: 2024-06-05. Review status: criteria provided, single submitter. Criteria: Invitae Variant Classification Sherloc (09022015). Collection method: clinical testing. Allele origin: germline.
Comment: This sequence change replaces glutamic acid, which is acidic and polar, with lysine, which is basic and polar, at codon 366 of the TAF6 protein (p.Glu366Lys). This variant is present in population databases (rs774840126, gnomAD 0.005%). This variant has not been reported in the literature in individuals affected with TAF6-related conditions. Advanced modeling of protein sequence and biophysical properties (such as structural, functional, and spatial information, amino acid conservation, physicochemical variation, residue mobility, and thermodynamic stability) performed at Invitae indicates that this missense variant is not expected to disrupt TAF6 protein function with a negative predictive value of 80%. In summary, the available evidence is currently insufficient to determine the role of this variant in disease. Therefore, it has been classified as a Variant of Uncertain Significance.

NM_139315.3(TAF6):c.1096G>A (p.Glu366Lys)

Genes: AP4M1 (adaptor related protein complex 4 subunit mu 1; plus strand), TAF6 (TATA-box binding protein associated factor 6; minus strand). Cytogenetic location: 7q22.1.
Variant type: single nucleotide variant.
Coding change: c.1096G>A on transcript NM_139315.3 (MANE Select); coding-DNA position 1096, G replaced by A.
Protein change: p.Glu366Lys; replaces glutamic acid 366 with lysine.
Molecular consequence: missense variant. On other transcripts: non-coding transcript variant (1).
Genome position (GRCh38, 1-based): chr7:100,110,262, C>T on the plus strand (G>A on the coding strand, the complement: TAF6 is on the minus strand). VCF-style: chr7-100110262-C-T. GRCh37 (hg19) VCF-style: chr7-99707885-C-T.
Other names: c.1207G>A, p.Glu403Lys (NM_001190415.2); c.1096G>A, p.Glu366Lys (NM_001364998.1, NM_001364999.1, NM_005641.4); c.1066G>A, p.Glu356Lys (NM_001365000.1, NM_001365001.1, NM_001365002.1 and 1 more transcripts); c.1234G>A, p.Glu412Lys (NM_001365004.1); short protein forms E403K, E412K, E356K, E366K.
Identifiers: ClinVar variation 3697713 (VCV003697713.2).
Genomic context (GRCh38, chr7:100,110,262, plus strand): 5'-CGTGTCCCAGCTCAGCCAAGCCTGCGATGGAGCCATAACGAGTCGTCCAGGGCGTCTTCT[C>T]GTCCACCCAGCTCTGTAAGGGGAAGGAAATAAACTAAGATGAAGGGGTCTGAAAGGATGA-3'
Protein context (NP_647476.1, residues 356-376): TKTFTKSWVD[Glu366Lys]KTPWTTRYGS